The following is an entry in ClinVar:

ClinVar aggregate classification (germline): Uncertain significance (1 of 4 stars; one submission).

Submission:

CeGaT Center for Human Genetics Tuebingen
Classification: Uncertain significance. Last evaluated: 2022-07-01. Review status: criteria provided, single submitter. Criteria: CeGaT Center For Human Genetics Tuebingen Variant Classification Criteria Version 2. Collection method: clinical testing. Allele origin: germline. Affected: yes. Observed: 2 variant alleles.
Comment: KCNJ13: PM2, PP3

NM_002242.4(KCNJ13):c.866T>C (p.Leu289Pro)

Genes: KCNJ13 (potassium inwardly rectifying channel subfamily J member 13; minus strand), GIGYF2 (GRB10 interacting GYF protein 2; plus strand). Cytogenetic location: 2q37.1.
Variant type: single nucleotide variant.
Coding change: c.866T>C on transcript NM_002242.4 (MANE Select); coding-DNA position 866, T replaced by C.
Protein change: p.Leu289Pro; replaces leucine 289 with proline.
Molecular consequence: missense variant. On other transcripts: 3 prime UTR variant (1), intron variant (4).
Genome position (GRCh38, 1-based): chr2:232,768,408, A>G on the plus strand (T>C on the coding strand, the complement: KCNJ13 is on the minus strand). VCF-style: chr2-232768408-A-G. GRCh37 (hg19) VCF-style: chr2-233633118-A-G.
Other names: c.*345T>C (NM_001172416.1); c.626T>C, p.Leu209Pro (NM_001172417.1); c.532+6972A>G (NM_001103146.3, NM_015575.4, NM_001103147.2 and 1 more transcripts); short protein forms L209P, L289P.
Identifiers: ClinVar variation 1012688 (VCV001012688.38), dbSNP rs1699068123, ClinGen allele CA351008391.